The following is an entry in ClinVar:

ClinVar aggregate classification (germline): Uncertain significance (1 of 4 stars; one submission).

Allele frequency attached by ClinVar (database versions not stated): ExAC 0.00002; TOPMed 0.00004; gnomAD 0.00006; gnomAD exomes 0.00010.
gnomAD v4.1: 153 of 1,614,012 alleles (0.0095%); highest among the groups gnomAD compares: Middle Eastern, 0.066%; no homozygotes.

Submission:

Labcorp Genetics (formerly Invitae), Labcorp
Classification: Uncertain significance. Last evaluated: 2022-06-13. Review status: criteria provided, single submitter. Criteria: Invitae Variant Classification Sherloc (09022015). Collection method: clinical testing. Allele origin: germline.
Comment: In summary, the available evidence is currently insufficient to determine the role of this variant in disease. Therefore, it has been classified as a Variant of Uncertain Significance. Algorithms developed to predict the effect of missense changes on protein structure and function (SIFT, PolyPhen-2, Align-GVGD) all suggest that this variant is likely to be tolerated. This variant has not been reported in the literature in individuals affected with FNIP1-related conditions. This variant is present in population databases (rs759734578, gnomAD 0.008%). This sequence change replaces glycine, which is neutral and non-polar, with glutamic acid, which is acidic and polar, at codon 789 of the FNIP1 protein (p.Gly789Glu).

NM_133372.3(FNIP1):c.2366G>A (p.Gly789Glu)

Gene: FNIP1 (folliculin interacting protein 1; minus strand). Cytogenetic location: 5q31.1.
Variant type: single nucleotide variant.
Coding change: c.2366G>A on transcript NM_133372.3 (MANE Select); coding-DNA position 2366, G replaced by A.
Protein change: p.Gly789Glu; replaces glycine 789 with glutamic acid.
Molecular consequence: missense variant.
Genome position (GRCh38, 1-based): chr5:131,672,078, C>T on the plus strand (G>A on the coding strand, the complement: FNIP1 is on the minus strand). VCF-style: chr5-131672078-C-T. GRCh37 (hg19) VCF-style: chr5-131007771-C-T.
Other names: c.2282G>A, p.Gly761Glu (NM_001008738.3); c.2231G>A, p.Gly744Glu (NM_001346114.2); short protein forms G789E, G761E, G744E.
Identifiers: ClinVar variation 2184098 (VCV002184098.3), dbSNP rs759734578, ClinGen allele CA3400527.